The following is an entry in ClinVar:

NM_000424.4(KRT5):c.418dup (p.Ile140fs)

Gene: KRT5 (keratin 5; minus strand). Cytogenetic location: 12q13.13.
Variant type: Duplication.
Coding change: c.418dup on transcript NM_000424.4 (MANE Select); coding-DNA position 418, one base duplicated (A; older notation c.418dupA).
Protein change: p.Ile140fs; shifts the reading frame from isoleucine 140.
Molecular consequence: frameshift variant.
Genome position (GRCh38, 1-based): chr12:52,519,879, T duplicated on the plus strand (A on the coding strand, the reverse complement: KRT5 is on the minus strand). VCF-style (leftmost placement, unchanged base first): chr12-52519878-A-AT. GRCh37 (hg19) VCF-style: chr12-52913662-A-AT.
Other names: c.418dupA (NM_000424.3); c.418dup (NM_000424.3); short protein forms I140fs.
Identifiers: ClinVar variation 66235 (VCV000066235.2), dbSNP rs61348424, ClinGen allele CA216709.

ClinVar aggregate classification (germline): Pathogenic. Review status: criteria provided, single submitter (1 of 4 stars). 3 submissions from 3 submitters: Pathogenic (1). 2 of the submissions do not count toward it. Last evaluated 2023-02-19.

Conditions:
Dowling-Degos disease 1. Identifiers: Orphanet 79145, MedGen C4552092, MONDO:0024534, OMIM 179850.

Submissions (3):

GeneDx
Classification: Pathogenic. Last evaluated: 2023-02-19. Review status: criteria provided, single submitter. Criteria: GeneDx Variant Classification Process June 2021. Collection method: clinical testing. Allele origin: germline. Affected: yes.
Comment: Frameshift variant predicted to result in protein truncation or nonsense mediated decay in a gene for which loss of function is a known mechanism of disease; Not observed at significant frequency in large population cohorts (gnomAD); This variant is associated with the following publications: (PMID: 20222933, 22437315, 16465624, 32382646, 31449063, 25284854, 21422339, 29882260)

OMIM
Classification: Pathogenic for DOWLING-DEGOS DISEASE 1. Last evaluated: 2010-07-01. Review status: no assertion criteria provided. Collection method: literature only. Allele origin: germline. Not counted in ClinVar's aggregate classification.

Epithelial Biology; Institute of Medical Biology, Singapore
No classification provided. Review status: no classification provided. Collection method: not provided. Allele origin: not provided. Not counted in ClinVar's aggregate classification.

Literature cited by the submitters: PubMed 3188604 (cited by OMIM); Milde, P., Suss, R., Megahed, M., Goerz, G. Morbus Dowling-Degos-Kitamura. Z. Hautkr. 69: 282-283, 1994. (cited by OMIM); PubMed 16465624 (cited by OMIM); PubMed 20222933 (cited by OMIM).